The following is an entry in ClinVar:

NM_003743.5(NCOA1):c.2659G>T (p.Asp887Tyr)

Gene: NCOA1 (nuclear receptor coactivator 1; plus strand). Cytogenetic location: 2p23.3.
Variant type: single nucleotide variant.
Coding change: c.2659G>T on transcript NM_003743.5 (MANE Select); coding-DNA position 2659, G replaced by T.
Protein change: p.Asp887Tyr; replaces aspartic acid 887 with tyrosine.
Molecular consequence: missense variant.
Genome position (GRCh38, 1-based): chr2:24,726,648, G>T. VCF-style: chr2-24726648-G-T. GRCh37 (hg19) VCF-style: chr2-24949517-G-T.
Other names: c.2659G>T, p.Asp887Tyr (NM_001362950.1, NM_001362952.1, NM_001362954.1 and 3 more transcripts); short protein forms D887Y.
Identifiers: ClinVar variation 4980102 (VCV004980102.1).

ClinVar aggregate classification (germline): Uncertain significance (1 of 4 stars; one submission).

Conditions:
NCOA1-related disorder. Also called: NCOA1-related condition.

gnomAD v4.1: 22 of 1,611,016 alleles (0.0014%); highest among the groups gnomAD compares: Non-Finnish European, 0.0019%; no homozygotes.

Submission:

PreventionGenetics, part of Exact Sciences
Classification: Uncertain significance for NCOA1-related condition. Last evaluated: 2025-04-19. Review status: criteria provided, single submitter. Criteria: ACMG Guidelines, 2015. Collection method: clinical testing. Allele origin: germline.
Comment: The NCOA1 c.2659G>T variant is predicted to result in the amino acid substitution p.Asp887Tyr. To our knowledge, this variant has not been reported in the literature. This variant is reported in 0.0078% of alleles in individuals of European (Non-Finnish) descent in gnomAD. At this time, the clinical significance of this variant is uncertain due to the absence of conclusive functional and genetic evidence.